The following is an entry in ClinVar:

ClinVar aggregate classification (germline): Pathogenic. Review status: criteria provided, single submitter (1 of 4 stars). 2 submissions from 2 submitters: Pathogenic (1). 1 of the submissions does not count toward it. Last evaluated 2020-03-01.

Conditions:
Nemaline myopathy 2 (NEM2). Also called: Nemaline myopathy 2, autosomal recessive. Identifiers: MedGen C1850569, MONDO:0009725, OMIM 256030.

Submissions (2):

Labcorp Genetics (formerly Invitae), Labcorp
Classification: Pathogenic for Nemaline myopathy 2. Last evaluated: 2020-03-01. Review status: criteria provided, single submitter. Criteria: Invitae Variant Classification Sherloc (09022015). Collection method: clinical testing. Allele origin: germline.
Comment: For these reasons, this variant has been classified as Pathogenic. Loss-of-function variants in NEB are known to be pathogenic (PMID: 25205138). This variant has been observed in individual(s) with myopathy or muscular dystrophy (PMID: 29792937). ClinVar contains an entry for this variant (Variation ID: 556662). This variant is not present in population databases (ExAC no frequency). This sequence change creates a premature translational stop signal (p.Ala2954Profs*8) in the NEB gene. It is expected to result in an absent or disrupted protein product.

Counsyl
Classification: Likely pathogenic for Nemaline myopathy 2. Last evaluated: 2018-02-13. Review status: no assertion criteria provided. Collection method: clinical testing. Allele origin: unknown. Not counted in ClinVar's aggregate classification.

Literature cited by the submitters: PubMed 25205138 (cited by Labcorp Genetics (formerly Invitae), Labcorp); PubMed 29792937 (cited by Labcorp Genetics (formerly Invitae), Labcorp).

NM_001164508.2(NEB):c.8860del (p.Ala2954fs)

Gene: NEB (nebulin; minus strand). Cytogenetic location: 2q23.3.
Variant type: Deletion.
Coding change: c.8860del on transcript NM_001164508.2 (MANE Select); coding-DNA position 8860, one base deleted (G; older notation c.8860delG).
Protein change: p.Ala2954fs; shifts the reading frame from alanine 2954.
Molecular consequence: frameshift variant. On other transcripts: intron variant (1).
Genome position (GRCh38, 1-based): chr2:151,639,886, C deleted on the plus strand (G on the coding strand, the reverse complement: NEB is on the minus strand); the first of 2 consecutive C bases (chr2:151,639,886-151,639,887); deleting either gives the same sequence. VCF-style (leftmost placement, unchanged base first): chr2-151639885-GC-G. GRCh37 (hg19) VCF-style: chr2-152496399-GC-G.
Other names: c.8860del, p.Ala2954fs (NM_001164507.2, NM_001271208.2); c.8853+7del (NM_004543.5); short protein forms A2954fs.
Identifiers: ClinVar variation 556662 (VCV000556662.10), dbSNP rs1553964158, ClinGen allele CA658821412.
Genomic context (GRCh38, chr2:151,639,885, plus strand): 5'-CCCCACTTCGATTCTTAATTTTGAAGTCTCACCTTGTTCATAGTGATGGCATTATTTTTG[GC>G]CAACACTTGTTCCAGAGAGTCAGTCACACTGGTAAATTTGAATCTGTCTGGAGGCTGGCG-3'